The following is an entry in ClinVar:

NM_206933.4(USH2A):c.11328T>A (p.Tyr3776Ter)

Gene: USH2A (usherin; minus strand). Cytogenetic location: 1q41.
Variant type: single nucleotide variant.
Coding change: c.11328T>A on transcript NM_206933.4 (MANE Select); coding-DNA position 11328, T replaced by A.
Protein change: p.Tyr3776Ter; replaces tyrosine 3776 with a stop codon.
Molecular consequence: nonsense.
Genome position (GRCh38, 1-based): chr1:215,758,656, A>T on the plus strand (T>A on the coding strand, the complement: USH2A is on the minus strand). VCF-style: chr1-215758656-A-T. GRCh37 (hg19) VCF-style: chr1-215931998-A-T.
Other names: c.11328T>A (NM_206933.3); short protein forms Y3776*.
Identifiers: ClinVar variation 549944 (VCV000549944.16), dbSNP rs749726310, ClinGen allele CA344820642.

ClinVar aggregate classification (germline): Pathogenic/Likely pathogenic. Review status: criteria provided, multiple submitters, no conflicts (2 of 4 stars). 7 submissions from 6 submitters: Pathogenic (4); Likely pathogenic (2). 1 of the submissions does not count toward it. Last evaluated 2025-05-12.

Conditions:
Retinitis pigmentosa 39 (RP39). Identifiers: Orphanet 791, MedGen C3151138, MONDO:0013436, OMIM 613809.
Usher syndrome type 2A. Also called: USHER SYNDROME, TYPE IIA; RETINAL DISEASE IN USHER SYNDROME TYPE IIA, MODIFIER OF. Identifiers: Orphanet 231178, Orphanet 886, MedGen C1848634, MONDO:0010169, OMIM 276901.

Submissions (7):

Natera, Inc.
Classification: Pathogenic for Usher syndrome type 2A. Last evaluated: 2025-05-12. Review status: criteria provided, single submitter. Criteria: Natera Variant Classification Schema (03/2026). Collection method: clinical testing. Allele origin: germline.
Comment: The c.11328T>A variant in USH2A is a nonsense variant predicted to introduce a stop codon at amino acid 3776. This variant is expected to result in nonsense mediated decay, truncation, or a dysfunctional protein product. This variant is rare in the general population with a frequency below the threshold expected for the associated phenotype(s). This variant has been observed in one or more individuals affected with the associated recessive disease, as either homozygous or compound heterozygous with a second variant (PMID: 34203967, 31047384). Given the available evidence, this variant is classified as Pathogenic.

Revvity Omics, Revvity
Classification: Pathogenic. Last evaluated: 2024-05-03. Review status: criteria provided, single submitter. Criteria: ACMG Guidelines, 2015. Collection method: clinical testing. Allele origin: germline.

Baylor Genetics
Classification: Pathogenic for Retinitis pigmentosa 39. Last evaluated: 2024-03-08. Review status: criteria provided, single submitter. Criteria: ACMG Guidelines, 2015. Collection method: clinical testing. Allele origin: unknown.

Genome-Nilou Lab
Classification: Likely pathogenic for Retinitis pigmentosa 39. Last evaluated: 2023-11-04. Review status: criteria provided, single submitter. Criteria: ACMG Guidelines, 2015. Collection method: clinical testing. Allele origin: germline. Affected: no.

Genome-Nilou Lab
Classification: Likely pathogenic for Usher syndrome type 2A. Last evaluated: 2023-11-04. Review status: criteria provided, single submitter. Criteria: ACMG Guidelines, 2015. Collection method: clinical testing. Allele origin: germline. Affected: no.

Labcorp Genetics (formerly Invitae), Labcorp
Classification: Pathogenic. Last evaluated: 2022-04-25. Review status: criteria provided, single submitter. Criteria: Invitae Variant Classification Sherloc (09022015). Collection method: clinical testing. Allele origin: germline.
Comment: This sequence change creates a premature translational stop signal (p.Tyr3776*) in the USH2A gene. It is expected to result in an absent or disrupted protein product. Loss-of-function variants in USH2A are known to be pathogenic (PMID: 10729113, 10909849, 20507924, 25649381). For these reasons, this variant has been classified as Pathogenic. Algorithms developed to predict the effect of sequence changes on RNA splicing suggest that this variant may disrupt the consensus splice site. ClinVar contains an entry for this variant (Variation ID: 549944). This premature translational stop signal has been observed in individual(s) with Usher syndrome or retinitis pigmentosa (PMID: 18273898, 31047384, 33105608). This variant is not present in population databases (gnomAD no frequency).

Counsyl
Classification: Likely pathogenic for Usher syndrome type 2A; Retinitis pigmentosa 39. Last evaluated: 2017-06-15. Review status: no assertion criteria provided. Collection method: clinical testing. Allele origin: unknown. Not counted in ClinVar's aggregate classification.

Literature cited by the submitters: PubMed 34203967 (cited by Natera, Inc.); PubMed 31047384 (cited by Natera, Inc. and Labcorp Genetics (formerly Invitae), Labcorp); PubMed 10729113 (cited by Labcorp Genetics (formerly Invitae), Labcorp); PubMed 10909849 (cited by Labcorp Genetics (formerly Invitae), Labcorp); PubMed 20507924 (cited by Labcorp Genetics (formerly Invitae), Labcorp); PubMed 25649381 (cited by Labcorp Genetics (formerly Invitae), Labcorp); PubMed 18273898 (cited by Labcorp Genetics (formerly Invitae), Labcorp and Counsyl); PubMed 33105608 (cited by Labcorp Genetics (formerly Invitae), Labcorp).